The following is an entry in ClinVar:

ClinVar aggregate classification (germline): Uncertain significance. Review status: criteria provided, multiple submitters, no conflicts (2 of 4 stars). 3 submissions from 3 submitters: Uncertain significance (3). Last evaluated 2024-03-06.

Conditions:
Catecholaminergic polymorphic ventricular tachycardia (CVPT). Also called: Catecholamine-induced polymorphic ventricular tachycardia. Identifiers: Orphanet 3286, MedGen C5574922, MONDO:0017990.
Catecholaminergic polymorphic ventricular tachycardia 1. Also called: VENTRICULAR TACHYCARDIA, CATECHOLAMINERGIC POLYMORPHIC, 1, WITH OR WITHOUT ATRIAL DYSFUNCTION AND/OR DILATED CARDIOMYOPATHY; VENTRICULAR TACHYCARDIA, STRESS-INDUCED POLYMORPHIC 1; RYR2-Related Catecholaminergic Polymorphic Ventricular Tachycardia. Identifiers: Orphanet 3286, MedGen C1631597, MONDO:0011484, OMIM 604772.
Cardiomyopathy (CMYO). Also called: Cardiomyopathies. Identifiers: Orphanet 167848, MedGen C0878544, MONDO:0004994, HP:0001638. Inheritance: Various modes of inheritance.

Allele frequency attached by ClinVar (database versions not stated): gnomAD exomes below 0.00001; TOPMed below 0.00001; ExAC 0.00001.
gnomAD v4.1: 5 of 1,613,760 alleles (0.00031%); highest among the groups gnomAD compares: South Asian, 0.0011%; no homozygotes.

Submissions (3):

Color Diagnostics, LLC DBA Color Health
Classification: Uncertain significance for Cardiomyopathy. Last evaluated: 2024-03-06. Review status: criteria provided, single submitter. Criteria: ACMG Guidelines, 2015. Collection method: clinical testing. Allele origin: germline.
Comment: This missense variant replaces arginine with cysteine at codon 1358 of the RYR2 protein. Computational prediction suggests that this variant may not impact protein structure and function (internally defined REVEL score threshold <= 0.5, PMID: 27666373). To our knowledge, functional studies have not been reported for this variant. This variant has not been reported in individuals affected with cardiovascular disorders in the literature. This variant has been identified in 1/248494 chromosomes in the general population by the Genome Aggregation Database (gnomAD). The available evidence is insufficient to determine the role of this variant in disease conclusively. Therefore, this variant is classified as a Variant of Uncertain Significance.

All of Us Research Program, National Institutes of Health
Classification: Uncertain significance for Catecholaminergic polymorphic ventricular tachycardia. Last evaluated: 2023-06-26. Review status: criteria provided, single submitter. Criteria: ACMG Guidelines, 2015. Collection method: clinical testing. Allele origin: germline. Inheritance: Autosomal dominant inheritance. Observed: 2 variant alleles, 2 heterozygotes.
Comment: This missense variant replaces arginine with cysteine at codon 1358 of the RYR2 protein. Computational prediction suggests that this variant may not impact protein structure and function (internally defined REVEL score threshold <= 0.5, PMID: 27666373). To our knowledge, functional studies have not been reported for this variant. This variant has not been reported in individuals affected with cardiovascular disorders in the literature. This variant has been identified in 1/248494 chromosomes in the general population by the Genome Aggregation Database (gnomAD). The available evidence is insufficient to determine the role of this variant in disease conclusively. Therefore, this variant is classified as a Variant of Uncertain Significance.

This study involves interpretation of variants in research participants for the purpose of population health screening. Participant phenotype was not available at the time of variant classification. Additional details can be found in publication PMID: 35346344, PMCID: PMC8962531

Labcorp Genetics (formerly Invitae), Labcorp
Classification: Uncertain significance for Catecholaminergic polymorphic ventricular tachycardia 1. Last evaluated: 2021-08-18. Review status: criteria provided, single submitter. Criteria: Invitae Variant Classification Sherloc (09022015). Collection method: clinical testing. Allele origin: germline.
Comment: This sequence change replaces arginine with cysteine at codon 1358 of the RYR2 protein (p.Arg1358Cys). The arginine residue is highly conserved and there is a large physicochemical difference between arginine and cysteine. This variant is present in population databases (rs771593145, ExAC 0.006%). This variant has not been reported in the literature in individuals with RYR2-related conditions. Algorithms developed to predict the effect of missense changes on protein structure and function are either unavailable or do not agree on the potential impact of this missense change (SIFT: "Deleterious"; PolyPhen-2: "Benign"; Align-GVGD: "Class C65"). In summary, the available evidence is currently insufficient to determine the role of this variant in disease. Therefore, it has been classified as a Variant of Uncertain Significance.

NM_001035.3(RYR2):c.4072C>T (p.Arg1358Cys)

Genes: RYR2 (ryanodine receptor 2; plus strand), LOC126806067 (BRD4-independent group 4 enhancer GRCh37_chr1:237753258-237754457; plus strand). Cytogenetic location: 1q43.
Variant type: single nucleotide variant.
Coding change: c.4072C>T on transcript NM_001035.3 (MANE Select); coding-DNA position 4072, C replaced by T.
Protein change: p.Arg1358Cys; replaces arginine 1358 with cysteine.
Molecular consequence: missense variant.
Genome position (GRCh38, 1-based): chr1:237,590,904, C>T. VCF-style: chr1-237590904-C-T. GRCh37 (hg19) VCF-style: chr1-237754204-C-T.
Other names: short protein forms R1358C.
Identifiers: ClinVar variation 854011 (VCV000854011.55), dbSNP rs771593145, ClinGen allele CA086528.